The following is an entry in ClinVar:

ClinVar aggregate classification (germline): Uncertain significance. Review status: criteria provided, single submitter (1 of 4 stars). 2 submissions from 2 submitters: Uncertain significance (1). 1 of the submissions does not count toward it. Last evaluated 2020-06-09.

Conditions:
Dyskeratosis congenita, autosomal recessive 8 (DKCB8). Identifiers: MedGen C5774257, MONDO:0859319, OMIM 620133.
Autosomal recessive dyskeratosis congenita. Identifiers: MedGen C3502105.
Hoyeraal-Hreidarsson syndrome (HHS). Also called: CEREBELLAR HYPOPLASIA WITH PANCYTOPENIA. Identifiers: Orphanet 3322, MedGen C1846142, MONDO:0018045.

Allele frequency attached by ClinVar (database versions not stated): gnomAD 0.00003 and 0.00002; gnomAD exomes 0.00003; ExAC 0.00002; ESP Exome Variant Server 0.00008; TOPMed 0.00003.
gnomAD v4.1: 43 of 1,614,050 alleles (0.0027%); highest among the groups gnomAD compares: Middle Eastern, 0.016%; no homozygotes.

Submissions (2):

Labcorp Genetics (formerly Invitae), Labcorp
Classification: Uncertain significance for Hoyeraal-Hreidarsson syndrome; Autosomal recessive dyskeratosis congenita. Last evaluated: 2020-06-09. Review status: criteria provided, single submitter. Criteria: Invitae Variant Classification Sherloc (09022015). Collection method: clinical testing. Allele origin: germline.
Comment: In summary, the available evidence is currently insufficient to determine the role of this variant in disease. Therefore, it has been classified as a Variant of Uncertain Significance. The current clinical and genetic evidence is not sufficient to establish whether loss-of-function variants in DCLRE1B cause disease. This variant has not been reported in the literature in individuals with DCLRE1B-related conditions. This sequence change creates a premature translational stop signal (p.Arg158*) in the DCLRE1B gene. It is expected to result in an absent or disrupted protein product. This variant is present in population databases (rs150374247, ExAC 0.006%).

OMIM
Classification: Pathogenic for DYSKERATOSIS CONGENITA, AUTOSOMAL RECESSIVE 8. Last evaluated: 2024-07-23. Review status: no assertion criteria provided. Collection method: literature only. Allele origin: germline. Not counted in ClinVar's aggregate classification.

Literature cited by the submitters: PubMed 35007328 (cited by OMIM).

NM_022836.4(DCLRE1B):c.472C>T (p.Arg158Ter)

Gene: DCLRE1B (DNA cross-link repair 1B; plus strand). Cytogenetic location: 1p13.2.
Variant type: single nucleotide variant.
Coding change: c.472C>T on transcript NM_022836.4 (MANE Select); coding-DNA position 472, C replaced by T.
Protein change: p.Arg158Ter; replaces arginine 158 with a stop codon.
Molecular consequence: nonsense.
Genome position (GRCh38, 1-based): chr1:113,908,125, C>T. VCF-style: chr1-113908125-C-T. GRCh37 (hg19) VCF-style: chr1-114450747-C-T.
Other names: c.94C>T, p.Arg32Ter (NM_001319946.2, NM_001319947.2, NM_001363691.2); c.472C>T, p.Arg158Ter (NM_001363690.2); short protein forms R158*, R32*.
Identifiers: ClinVar variation 1053302 (VCV001053302.9), dbSNP rs150374247, ClinGen allele CA1016409.
Genomic context (GRCh38, chr1:113,908,125, plus strand): 5'-CAGATCCATACTTTATACCTAGACAACACCAATTGCAATCCAGCCCTGGTTCTTCCTTCC[C>T]GACAAGAAGCTGCCCACCAGATTGTCCAGCTCATTCGAAAACACCCACAACATAACATAA-3'